The following is an entry in ClinVar:

NM_000155.4(GALT):c.474_479delinsT (p.Glu159fs)

Gene: GALT (galactose-1-phosphate uridylyltransferase; plus strand). Cytogenetic location: 9p13.3.
Variant type: Indel.
Coding change: c.474_479delinsT on transcript NM_000155.4 (MANE Select); coding-DNA positions 474 to 479, AGAGGA replaced by T.
Protein change: p.Glu159fs; shifts the reading frame from glutamic acid 159.
Molecular consequence: frameshift variant.
Genome position (GRCh38, 1-based): chr9:34,647,928-34,647,933, AGAGGA replaced by T. VCF-style: chr9-34647928-AGAGGA-T. GRCh37 (hg19) VCF-style: chr9-34647925-AGAGGA-T.
Other names: c.147_152delinsT, p.Glu50fs (NM_001258332.2); short protein forms E159fs, E50fs.
Identifiers: ClinVar variation 5011436 (VCV005011436.1).

ClinVar aggregate classification (germline): Pathogenic (1 of 4 stars; one submission).

Conditions:
Deficiency of UDPglucose-hexose-1-phosphate uridylyltransferase. Also called: GALACTOSE-1-PHOSPHATE URIDYLYLTRANSFERASE DEFICIENCY; GALT deficiency; Galactosemia, classic; Transferase Deficiency Galactosemia; GALACTOSEMIA I. Identifiers: Orphanet 352, Orphanet 79239, MedGen C0268151, MONDO:0009258, OMIM 230400.

Submission:

Myriad Genetics, Inc.
Classification: Pathogenic for Deficiency of UDPglucose-hexose-1-phosphate uridylyltransferase. Last evaluated: 2023-08-21. Review status: criteria provided, single submitter. Criteria: Myriad Autosomal Dominant, Autosomal Recessive and X-Linked Classification Criteria (2023). Collection method: clinical testing. Allele origin: unknown.
Comment: NM_000155.3(GALT):c.474_479del6ins1(E159Afs*12) is expected to be pathogenic in the context of galactosemia. This variant is predicted to lead to an abnormal or absent protein product due to the creation of a premature termination codon in GALT, a gene where loss-of-function variants are known to be pathogenic. Please note: this variant was assessed in the context of healthy population screening.